The following is an entry in ClinVar:

ClinVar aggregate classification (germline): Likely benign. Review status: criteria provided, multiple submitters, no conflicts (2 of 4 stars). 4 submissions from 4 submitters: Likely benign (2). 2 of the submissions do not count toward it. Last evaluated 2026-01-14.

Conditions:
GNPTG-mucolipidosis. Also called: MUCOLIPIDOSIS III, COMPLEMENTATION GROUP C; MUCOLIPIDOSIS III, IRANIAN VARIANT FORM; MUCOLIPIDOSIS III, VARIANT FORM; ML III GAMMA; ML IIIC; Mucolipidosis type III gamma. Identifiers: Orphanet 423470, Orphanet 577, MedGen C1854896, MONDO:0009652, OMIM 252605.
GNPTG-related disorder. Also called: GNPTG-related condition.

Allele frequency attached by ClinVar (database versions not stated): gnomAD exomes 0.00006 and 0.00014; 1000 Genomes Project 0.00020; ExAC 0.00020; 1000 Genomes Project 30x 0.00031; ESP Exome Variant Server 0.00038; gnomAD 0.00054 and 0.00061; TOPMed 0.00059.
gnomAD v4.1: 169 of 1,613,726 alleles (0.01%); highest among the groups gnomAD compares: African/African-American, 0.19%; no homozygotes.

Submissions (4):

Labcorp Genetics (formerly Invitae), Labcorp
Classification: Likely benign. Last evaluated: 2026-01-14. Review status: criteria provided, single submitter. Criteria: Invitae Variant Classification Sherloc (09022015). Collection method: clinical testing. Allele origin: germline.

Blueprint Genetics
Classification: Likely benign. Last evaluated: 2023-02-01. Review status: criteria provided, single submitter. Criteria: ACMG Guidelines, 2015. Collection method: clinical testing. Allele origin: germline.

Natera, Inc.
Classification: Likely benign for Mucolipidosis III gamma. Last evaluated: 2020-04-24. Review status: no assertion criteria provided. Collection method: clinical testing. Allele origin: germline. Not counted in ClinVar's aggregate classification.

PreventionGenetics, part of Exact Sciences
Classification: Likely benign for GNPTG-related condition. Last evaluated: 2019-11-26. Review status: no assertion criteria provided. Collection method: clinical testing. Allele origin: germline. Not counted in ClinVar's aggregate classification.
Comment: This variant is classified as likely benign based on ACMG/AMP sequence variant interpretation guidelines (Richards et al. 2015 PMID: 25741868, with internal and published modifications).

NM_032520.5(GNPTG):c.183C>T (p.Pro61=)

Gene: GNPTG (N-acetylglucosamine-1-phosphate transferase subunit gamma; plus strand). Cytogenetic location: 16p13.3.
Variant type: single nucleotide variant.
Coding change: c.183C>T on transcript NM_032520.5 (MANE Select); coding-DNA position 183, C replaced by T.
Protein change: p.Pro61=; no amino-acid change (proline 61 retained).
Molecular consequence: synonymous variant.
Genome position (GRCh38, 1-based): chr16:1,361,747, C>T. VCF-style: chr16-1361747-C-T. GRCh37 (hg19) VCF-style: chr16-1411748-C-T.
Identifiers: ClinVar variation 758903 (VCV000758903.15), dbSNP rs140264422, ClinGen allele CA7807515.